The following is an entry in ClinVar:

NM_015434.4(INTS7):c.1046A>G (p.Gln349Arg)

Gene: INTS7 (integrator complex subunit 7; minus strand). Cytogenetic location: 1q32.3.
Variant type: single nucleotide variant.
Coding change: c.1046A>G on transcript NM_015434.4 (MANE Select); coding-DNA position 1046, A replaced by G.
Protein change: p.Gln349Arg; replaces glutamine 349 with arginine.
Molecular consequence: missense variant. On other transcripts: non-coding transcript variant (1).
Genome position (GRCh38, 1-based): chr1:211,982,762, T>C on the plus strand (A>G on the coding strand, the complement: INTS7 is on the minus strand). VCF-style: chr1-211982762-T-C. GRCh37 (hg19) VCF-style: chr1-212156104-T-C.
Other names: c.899A>G, p.Gln300Arg (NM_001199809.2); c.1046A>G, p.Gln349Arg (NM_001199811.2, NM_001199812.2); short protein forms Q300R, Q349R.
Identifiers: ClinVar variation 3044882 (VCV003044882.3), dbSNP rs371628836, ClinGen allele CA1382528.

ClinVar aggregate classification (germline): Uncertain significance. Review status: criteria provided, single submitter (1 of 4 stars). 2 submissions from 2 submitters: Uncertain significance (1). 1 of the submissions does not count toward it. Last evaluated 2025-10-24.

Conditions:
INTS7-related disorder. Also called: INTS7-related condition.

Allele frequency attached by ClinVar (database versions not stated): ExAC 0.00002; ESP Exome Variant Server 0.00008.

Submissions (2):

Ambry Genetics
Classification: Uncertain significance. Last evaluated: 2025-10-24. Review status: criteria provided, single submitter. Criteria: Ambry Variant Classification Scheme 2023. Collection method: clinical testing. Allele origin: germline.

PreventionGenetics, part of Exact Sciences
Classification: Uncertain significance for INTS7-related condition. Last evaluated: 2024-01-29. Review status: no assertion criteria provided. Collection method: clinical testing. Allele origin: germline. Not counted in ClinVar's aggregate classification.
Comment: The INTS7 c.1046A>G variant is predicted to result in the amino acid substitution p.Gln349Arg. To our knowledge, this variant has not been reported in the literature. This variant is reported in 0.00089% of alleles in individuals of European (Non-Finnish) descent in gnomAD. At this time, the clinical significance of this variant is uncertain due to the absence of conclusive functional and genetic evidence.